The following is an entry in ClinVar:

NM_003839.4(TNFRSF11A):c.1192G>A (p.Gly398Ser)

Gene: TNFRSF11A (TNF receptor superfamily member 11a; plus strand). Cytogenetic location: 18q21.33.
Variant type: single nucleotide variant.
Coding change: c.1192G>A on transcript NM_003839.4 (MANE Select); coding-DNA position 1192, G replaced by A.
Protein change: p.Gly398Ser; replaces glycine 398 with serine.
Molecular consequence: missense variant. On other transcripts: intron variant (3).
Genome position (GRCh38, 1-based): chr18:62,369,109, G>A. VCF-style: chr18-62369109-G-A. GRCh37 (hg19) VCF-style: chr18-60036342-G-A.
Other names: c.1150G>A, p.Gly384Ser (NM_001278268.2); c.783+2349G>A (NM_001270949.2); c.730+7316G>A (NM_001270950.2); c.616+9060G>A (NM_001270951.2); short protein forms G384S, G398S.
Identifiers: ClinVar variation 1472147 (VCV001472147.6), dbSNP rs2145356286, ClinGen allele CA402617439.

ClinVar aggregate classification (germline): Uncertain significance (1 of 4 stars; one submission).

Allele frequency attached by ClinVar (database versions not stated): gnomAD exomes below 0.00001.
gnomAD v4.1: 3 of 1,614,070 alleles (0.00019%); highest among the groups gnomAD compares: East Asian, 0.0022%; no homozygotes.

Submission:

Labcorp Genetics (formerly Invitae), Labcorp
Classification: Uncertain significance. Last evaluated: 2022-02-28. Review status: criteria provided, single submitter. Criteria: Invitae Variant Classification Sherloc (09022015). Collection method: clinical testing. Allele origin: germline.
Comment: In summary, the available evidence is currently insufficient to determine the role of this variant in disease. Therefore, it has been classified as a Variant of Uncertain Significance. Algorithms developed to predict the effect of sequence changes on RNA splicing suggest that this variant may create or strengthen a splice site. Algorithms developed to predict the effect of missense changes on protein structure and function (SIFT, PolyPhen-2, Align-GVGD) all suggest that this variant is likely to be tolerated. This variant has not been reported in the literature in individuals affected with TNFRSF11A-related conditions. This variant is not present in population databases (gnomAD no frequency). This sequence change replaces glycine, which is neutral and non-polar, with serine, which is neutral and polar, at codon 398 of the TNFRSF11A protein (p.Gly398Ser).